The following is an entry in ClinVar:

ClinVar aggregate classification (germline): Uncertain significance. Review status: criteria provided, multiple submitters, no conflicts (2 of 4 stars). 7 submissions from 5 submitters: Uncertain significance (7). Last evaluated 2026-08-08.

Conditions:
Inborn genetic diseases. Identifiers: MedGen C0950123, MeSH D030342.
Nephronophthisis 11 (NPHP11). Identifiers: Orphanet 84081, MedGen C3150796, MONDO:0013302, OMIM 613550.
Joubert syndrome 6 (JBTS6). Identifiers: Orphanet 475, MedGen C1853153, MONDO:0012539, OMIM 610688.
Bardet-Biedl syndrome 14 (BBS14). Identifiers: Orphanet 110, MedGen C2673874, MONDO:0014442, OMIM 615991.
COACH syndrome 1. Identifiers: Orphanet 1454, MedGen C5435651, MONDO:0800103, OMIM 216360, MONDO:0008996.
RHYNS syndrome. Also called: RETINITIS PIGMENTOSA SYNDROME; RETINITIS PIGMENTOSA, HYPOPITUITARISM, NEPHRONOPHTHISIS, AND MILD SKELETAL DYSPLASIA. Identifiers: Orphanet 140976, MedGen C1865794, MONDO:0011202, OMIM 602152.
Meckel syndrome, type 3 (MKS3). Also called: MECKEL-GRUBER SYNDROME, TYPE 3. Identifiers: Orphanet 564, MedGen C1846357, MONDO:0011821, OMIM 607361.
Meckel-Gruber syndrome. Also called: DYSENCEPHALIA SPLANCHNOCYSTICA; Dysencephalia splachnocystica; GRUBER SYNDROME. Identifiers: Orphanet 564, MedGen C0265215, MONDO:0018921.
Joubert syndrome. Also called: Familial aplasia of the vermis; JOUBERT-BOLTSHAUSER SYNDROME. Identifiers: Orphanet 475, MedGen C5979921, MONDO:0018772.
TMEM67-related disorder. Also called: TMEM67-related condition; TMEM67-related disorders. Identifiers: MedGen CN239423.

Allele frequency attached by ClinVar (database versions not stated): gnomAD 0.00001; gnomAD exomes 0.00001; TOPMed 0.00001.

Submissions (7):

PreventionGenetics, part of Exact Sciences
Classification: Uncertain significance for TMEM67-related condition. Last evaluated: 2026-08-08. Review status: criteria provided, single submitter. Criteria: ACMG Guidelines, 2015. Collection method: clinical testing. Allele origin: germline.
Comment: The TMEM67 c.1588G>A variant is predicted to result in the amino acid substitution p.Val530Ile. To our knowledge, this variant has not been reported in the literature. This variant is reported in 0.0028% of alleles in individuals of Latino descent in gnomAD. At this time, the clinical significance of this variant is uncertain due to the absence of conclusive functional and genetic evidence.

Labcorp Genetics (formerly Invitae), Labcorp
Classification: Uncertain significance for Joubert syndrome; Meckel-Gruber syndrome. Last evaluated: 2025-07-24. Review status: criteria provided, single submitter. Criteria: Invitae Variant Classification Sherloc (09022015). Collection method: clinical testing. Allele origin: germline.
Comment: This sequence change replaces valine, which is neutral and non-polar, with isoleucine, which is neutral and non-polar, at codon 530 of the TMEM67 protein (p.Val530Ile). This variant is present in population databases (rs774701716, gnomAD 0.003%). This variant has not been reported in the literature in individuals affected with TMEM67-related conditions. ClinVar contains an entry for this variant (Variation ID: 912174). Invitae Evidence Modeling of protein sequence and biophysical properties (such as structural, functional, and spatial information, amino acid conservation, physicochemical variation, residue mobility, and thermodynamic stability) indicates that this missense variant is expected to disrupt TMEM67 protein function with a positive predictive value of 95%. In summary, the available evidence is currently insufficient to determine the role of this variant in disease. Therefore, it has been classified as a Variant of Uncertain Significance.

Ambry Genetics
Classification: Uncertain significance for Inborn genetic diseases. Last evaluated: 2024-03-25. Review status: criteria provided, single submitter. Criteria: Ambry Variant Classification Scheme 2023. Collection method: clinical testing. Allele origin: germline.

Fulgent Genetics
Classification: Uncertain significance for COACH syndrome 1; RHYNS syndrome; Meckel syndrome, type 3; Joubert syndrome 6; Nephronophthisis 11; Bardet-Biedl syndrome 14. Last evaluated: 2022-03-01. Review status: criteria provided, single submitter. Criteria: ACMG Guidelines, 2015. Collection method: clinical testing. Allele origin: unknown.

Illumina Laboratory Services, Illumina
Classification: Uncertain significance for Meckel syndrome, type 3. Last evaluated: 2018-01-13. Review status: criteria provided, single submitter. Criteria: ICSL Variant Classification Criteria 13 December 2019. Collection method: clinical testing. Allele origin: germline.

Illumina Laboratory Services, Illumina
Classification: Uncertain significance for Nephronophthisis 11. Last evaluated: 2018-01-13. Review status: criteria provided, single submitter. Criteria: ICSL Variant Classification Criteria 13 December 2019. Collection method: clinical testing. Allele origin: germline.

Illumina Laboratory Services, Illumina
Classification: Uncertain significance for Joubert syndrome 6. Last evaluated: 2018-01-13. Review status: criteria provided, single submitter. Criteria: ICSL Variant Classification Criteria 13 December 2019. Collection method: clinical testing. Allele origin: germline.

NM_153704.6(TMEM67):c.1588G>A (p.Val530Ile)

Gene: TMEM67 (transmembrane protein 67; plus strand). Cytogenetic location: 8q22.1.
Variant type: single nucleotide variant.
Coding change: c.1588G>A on transcript NM_153704.6 (MANE Select); coding-DNA position 1588, G replaced by A.
Protein change: p.Val530Ile; replaces valine 530 with isoleucine.
Molecular consequence: missense variant. On other transcripts: non-coding transcript variant (1).
Genome position (GRCh38, 1-based): chr8:93,793,210, G>A. VCF-style: chr8-93793210-G-A. GRCh37 (hg19) VCF-style: chr8-94805438-G-A.
Other names: c.1345G>A, p.Val449Ile (NM_001142301.1); short protein forms V449I, V530I.
Identifiers: ClinVar variation 912174 (VCV000912174.13), dbSNP rs774701716, ClinGen allele CA181338860.